The following is an entry in ClinVar:

ClinVar aggregate classification (germline): Uncertain significance (1 of 4 stars; one submission).

gnomAD v4.1: 2 of 1,614,046 alleles (0.00012%); highest among the groups gnomAD compares: South Asian, 0.0011%; no homozygotes.

Submission:

Labcorp Genetics (formerly Invitae), Labcorp
Classification: Uncertain significance. Last evaluated: 2025-04-02. Review status: criteria provided, single submitter. Criteria: Invitae Variant Classification Sherloc (09022015). Collection method: clinical testing. Allele origin: germline.
Comment: This sequence change replaces valine, which is neutral and non-polar, with alanine, which is neutral and non-polar, at codon 378 of the NLRP1 protein (p.Val378Ala). This variant is not present in population databases (gnomAD no frequency). This variant has not been reported in the literature in individuals affected with NLRP1-related conditions. An algorithm developed to predict the effect of missense changes on protein structure and function (PolyPhen-2) suggests that this variant is likely to be tolerated. In summary, the available evidence is currently insufficient to determine the role of this variant in disease. Therefore, it has been classified as a Variant of Uncertain Significance.

NM_033004.4(NLRP1):c.1133T>C (p.Val378Ala)

Gene: NLRP1 (NLR family pyrin domain containing 1; minus strand). Cytogenetic location: 17p13.2.
Variant type: single nucleotide variant.
Coding change: c.1133T>C on transcript NM_033004.4 (MANE Select); coding-DNA position 1133, T replaced by C.
Protein change: p.Val378Ala; replaces valine 378 with alanine.
Molecular consequence: missense variant.
Genome position (GRCh38, 1-based): chr17:5,559,563, A>G on the plus strand (T>C on the coding strand, the complement: NLRP1 is on the minus strand). VCF-style: chr17-5559563-A-G. GRCh37 (hg19) VCF-style: chr17-5462883-A-G.
Other names: c.1133T>C, p.Val378Ala (NM_001033053.3, NM_014922.5, NM_033006.4 and 1 more transcripts); short protein forms V378A.
Identifiers: ClinVar variation 4750393 (VCV004750393.1).